The following is an entry in ClinVar:

NM_001048174.2(MUTYH):c.926G>T (p.Gly309Val)

Gene: MUTYH (mutY DNA glycosylase; minus strand). Cytogenetic location: 1p34.1.
Variant type: single nucleotide variant.
Coding change: c.926G>T on transcript NM_001048174.2 (MANE Select); coding-DNA position 926, G replaced by T.
Protein change: p.Gly309Val; replaces glycine 309 with valine.
Molecular consequence: missense variant. On other transcripts: non-coding transcript variant (7).
Genome position (GRCh38, 1-based): chr1:45,331,837, C>A on the plus strand (G>T on the coding strand, the complement: MUTYH is on the minus strand). VCF-style: chr1-45331837-C-A. GRCh37 (hg19) VCF-style: chr1-45797509-C-A.
Other names: c.959G>T, p.Gly320Val (NM_001293191.2, NM_001407069.1, NM_001407077.1); c.650G>T, p.Gly217Val (NM_001293192.2, NM_001293196.2, NM_001407091.1); c.926G>T, p.Gly309Val (NM_001293195.2, NM_001407070.1, NM_001407088.1 and 6 more transcripts); c.581G>T, p.Gly194Val (NM_001350650.2, NM_001350651.2, NM_001407082.1); c.929G>T, p.Gly310Val (NM_001407071.1, NM_001407086.1, NM_001048172.2 and 1 more transcripts); c.968G>T, p.Gly323Val (NM_001407085.1, NM_001407083.1); c.947G>T, p.Gly316Val (NM_001407087.1); c.1001G>T, p.Gly334Val (NM_012222.3); and 5 more; short protein forms G217V, G295V, G309V, G310V, G316V, G320V, G324V, G296V.
Identifiers: ClinVar variation 4112920 (VCV004112920.1).

ClinVar aggregate classification (germline): Uncertain significance (1 of 4 stars; one submission).

Conditions:
Hereditary cancer-predisposing syndrome. Also called: Tumor predisposition; Neoplastic Syndromes, Hereditary; Hereditary neoplastic syndrome; Hereditary Cancer Syndrome. Identifiers: Orphanet 140162, MedGen C0027672, MeSH D009386, MONDO:0015356.

Submission:

Ambry Genetics
Classification: Uncertain significance for Hereditary cancer-predisposing syndrome. Last evaluated: 2025-08-27. Review status: criteria provided, single submitter. Criteria: Ambry Variant Classification Scheme 2023. Collection method: clinical testing. Allele origin: germline.
Comment: The p.G337V variant (also known as c.1010G>T), located in coding exon 12 of the MUTYH gene, results from a G to T substitution at nucleotide position 1010. The glycine at codon 337 is replaced by valine, an amino acid with dissimilar properties. This amino acid position is conserved. In addition, this alteration is predicted to be tolerated by in silico analysis. Based on the available evidence, the clinical significance of this variant remains unclear.